The following is an entry in ClinVar:

ClinVar aggregate classification (germline): Conflicting classifications of pathogenicity. Review status: criteria provided, conflicting classifications (1 of 4 stars). 3 submissions from 3 submitters: Pathogenic (1); Likely pathogenic (1); Uncertain significance (1). Last evaluated 2026-01-28.

Conditions:
Combined immunodeficiency with skin granulomas. Identifiers: Orphanet 157949, MedGen C2673536, MONDO:0009306, OMIM 233650.
Severe combined immunodeficiency, autosomal recessive, T cell-negative, B cell-negative, NK cell-positive. Also called: SCID, T CELL-NEGATIVE, B CELL-NEGATIVE, NK CELL-POSITIVE; Severe combined immunodeficiency due to complete RAG1/2 deficiency; SCID, AR, T-cell negative, B-cell negative, NK cell-positive. Identifiers: Orphanet 331206, MedGen C1832322, MONDO:0011086, OMIM 601457.
RAG1-related disorder. Also called: RAG1-related condition; RAG1-related disorders.

Allele frequency attached by ClinVar (database versions not stated): gnomAD 0.00001; gnomAD exomes 0.00001; ExAC 0.00002.

Submissions (3):

Labcorp Genetics (formerly Invitae), Labcorp
Classification: Likely pathogenic for Combined immunodeficiency with skin granulomas; Severe combined immunodeficiency, autosomal recessive, T cell-negative, B cell-negative, NK cell-positive. Last evaluated: 2026-01-28. Review status: criteria provided, single submitter. Criteria: Invitae Variant Classification Sherloc (09022015). Collection method: clinical testing. Allele origin: germline.
Comment: This sequence change replaces proline, which is neutral and non-polar, with leucine, which is neutral and non-polar, at codon 619 of the RAG1 protein (p.Pro619Leu). This variant is present in population databases (rs755059628, gnomAD 0.006%). This missense change has been observed in individual(s) with clinical features of severe combined immunodeficiency (PMID: 33117328). In at least one individual the data is consistent with being in trans (on the opposite chromosome) from a pathogenic variant. ClinVar contains an entry for this variant (Variation ID: 2066890). Invitae Evidence Modeling of protein sequence and biophysical properties (such as structural, functional, and spatial information, amino acid conservation, physicochemical variation, residue mobility, and thermodynamic stability) has been performed for this missense variant. However, the output from this modeling did not meet the statistical confidence thresholds required to predict the impact of this variant on RAG1 protein function. In summary, the currently available evidence indicates that the variant is pathogenic, but additional data are needed to prove that conclusively. Therefore, this variant has been classified as Likely Pathogenic.

Blueprint Genetics
Classification: Pathogenic for RAG1-related disorders. Last evaluated: 2024-10-23. Review status: criteria provided, single submitter. Criteria: ACMG Guidelines, 2015. Collection method: clinical testing. Allele origin: germline. Affected: yes. Observed: 3 variant alleles.

Women's Health and Genetics/Laboratory Corporation of America, LabCorp
Classification: Uncertain significance. Last evaluated: 2023-05-01. Review status: criteria provided, single submitter. Criteria: LabCorp Variant Classification Summary - May 2015. Collection method: clinical testing. Allele origin: germline.
Comment: Variant summary: RAG1 c.1856C>T (p.Pro619Leu) results in a non-conservative amino acid change in the encoded protein sequence. Five of five in-silico tools predict a damaging effect of the variant on protein function. The variant allele was found at a frequency of 1.2e-05 in 251358 control chromosomes. c.1856C>T has been reported in the literature in a compound heterozygous individual who was affected with atypical Severe Combined Immunodeficiency. The patient carried the variant in trans with another pathogenic allele, with the variant allele showing reduced recombination activity (40% of WT) (Chitty-Lopez_2020). To our knowledge, no experimental evidence demonstrating an impact on protein function has been reported. The following publications have been ascertained in the context of this evaluation (PMID: 33117328, 35902638, 32633164). One clinical diagnostic laboratory has submitted clinical-significance assessments for this variant to ClinVar after 2014 without evidence for independent evaluation, classifying the variant as likely pathogenic. Based on the evidence outlined above, the variant was classified as VUS-possibly pathogenic.

Literature cited by the submitters: PubMed 33117328 (cited by Labcorp Genetics (formerly Invitae), Labcorp and Women's Health and Genetics/Laboratory Corporation of America, LabCorp); PubMed 35902638 (cited by Women's Health and Genetics/Laboratory Corporation of America, LabCorp); PubMed 32633164 (cited by Women's Health and Genetics/Laboratory Corporation of America, LabCorp).

NM_000448.3(RAG1):c.1856C>T (p.Pro619Leu)

Gene: RAG1 (recombination activating 1; plus strand). Cytogenetic location: 11p12.
Variant type: single nucleotide variant.
Coding change: c.1856C>T on transcript NM_000448.3 (MANE Select); coding-DNA position 1856, C replaced by T.
Protein change: p.Pro619Leu; replaces proline 619 with leucine.
Molecular consequence: missense variant.
Genome position (GRCh38, 1-based): chr11:36,575,160, C>T. VCF-style: chr11-36575160-C-T. GRCh37 (hg19) VCF-style: chr11-36596710-C-T.
Other names: c.1856C>T, p.Pro619Leu (NM_001377277.1, NM_001377278.1, NM_001377279.1 and 1 more transcripts); short protein forms P619L.
Identifiers: ClinVar variation 2066890 (VCV002066890.6), dbSNP rs755059628, ClinGen allele CA5950190.